The following is an entry in ClinVar:

ClinVar aggregate classification (germline): Uncertain significance (1 of 4 stars; one submission).

Allele frequency attached by ClinVar (database versions not stated): gnomAD exomes below 0.00001; TOPMed 0.00001.
gnomAD v4.1: 7 of 1,425,580 alleles (0.00049%); highest among the groups gnomAD compares: Middle Eastern, 0.025%; no homozygotes.

Submission:

Labcorp Genetics (formerly Invitae), Labcorp
Classification: Uncertain significance. Last evaluated: 2022-05-31. Review status: criteria provided, single submitter. Criteria: Invitae Variant Classification Sherloc (09022015). Collection method: clinical testing. Allele origin: germline.
Comment: This sequence change replaces glutamine, which is neutral and polar, with glutamic acid, which is acidic and polar, at codon 59 of the CTDP1 protein (p.Gln59Glu). This variant is not present in population databases (gnomAD no frequency). This variant has not been reported in the literature in individuals affected with CTDP1-related conditions. Algorithms developed to predict the effect of missense changes on protein structure and function output the following: SIFT: "Tolerated"; PolyPhen-2: "Benign"; Align-GVGD: "Class C0". The glutamic acid amino acid residue is found in multiple mammalian species, which suggests that this missense change does not adversely affect protein function. In summary, the available evidence is currently insufficient to determine the role of this variant in disease. Therefore, it has been classified as a Variant of Uncertain Significance.

NM_004715.5(CTDP1):c.175C>G (p.Gln59Glu)

Gene: CTDP1 (CTD phosphatase subunit 1; plus strand). Cytogenetic location: 18q23.
Variant type: single nucleotide variant.
Coding change: c.175C>G on transcript NM_004715.5 (MANE Select); coding-DNA position 175, C replaced by G.
Protein change: p.Gln59Glu; replaces glutamine 59 with glutamic acid.
Molecular consequence: missense variant.
Genome position (GRCh38, 1-based): chr18:79,680,122, C>G. VCF-style: chr18-79680122-C-G. GRCh37 (hg19) VCF-style: chr18-77440122-C-G.
Other names: c.175C>G, p.Gln59Glu (NM_001318511.2, NM_048368.4); short protein forms Q59E.
Identifiers: ClinVar variation 2115470 (VCV002115470.1), dbSNP rs780068333, ClinGen allele CA402825108.